The following is an entry in ClinVar:

ClinVar aggregate classification (germline): Uncertain significance. Review status: criteria provided, multiple submitters, no conflicts (2 of 4 stars). 2 submissions from 2 submitters: Uncertain significance (2). Last evaluated 2025-05-23.

Conditions:
Thrombocytopenia. Identifiers: MedGen C0040034, MeSH D013921, MONDO:0002049, HP:0001873.

Allele frequency attached by ClinVar (database versions not stated): gnomAD exomes below 0.00001; TOPMed 0.00001; ExAC 0.00002.

Submissions (2):

GeneDx
Classification: Uncertain significance. Last evaluated: 2025-05-23. Review status: criteria provided, single submitter. Criteria: GeneDx Variant Classification Process June 2021. Collection method: clinical testing. Allele origin: germline. Affected: yes.
Comment: Has not been previously published as pathogenic or benign to our knowledge; Not observed at significant frequency in large population cohorts (gnomAD); Frameshift variant predicted to result in protein truncation or nonsense mediated decay in a gene for which loss-of-function is not a known mechanism of disease

Johns Hopkins Genomics, Johns Hopkins University
Classification: Uncertain significance for Thrombocytopenia. Last evaluated: 2021-08-16. Review status: criteria provided, single submitter. Criteria: ACMG Guidelines, 2015. Collection method: clinical testing. Allele origin: germline.
Comment: This THPO variant (rs768078445) is rare (<0.1%) in a large population dataset (gnomAD: 1/251124 total alleles; 0.0004%; no homozygotes) and has not been reported in ClinVar nor the literature, to our knowledge. This frameshift variant in exon 3 results in a premature stop codon likely leading to nonsense-mediated decay and lack of protein production. Loss of function THPO variants have been reported in the literature in individuals with inherited thrombocytopenia, however this association has not been reported in OMIM. We consider the clinical significance of THPO c.114delT to be uncertain at this time.

Literature cited by the submitters: PubMed 28466964 (cited by Johns Hopkins Genomics, Johns Hopkins University); PubMed 32150607 (cited by Johns Hopkins Genomics, Johns Hopkins University).

NM_000460.4(THPO):c.114del (p.Asp39fs)

Gene: THPO (thrombopoietin; minus strand). Cytogenetic location: 3q27.1.
Variant type: Deletion.
Coding change: c.114del on transcript NM_000460.4 (MANE Select); coding-DNA position 114, one base deleted (T; older notation c.114delT).
Protein change: p.Asp39fs; shifts the reading frame from aspartic acid 39.
Molecular consequence: frameshift variant.
Genome position (GRCh38, 1-based): chr3:184,375,915, A deleted on the plus strand (T on the coding strand, the reverse complement: THPO is on the minus strand). VCF-style (leftmost placement, unchanged base first): chr3-184375914-CA-C. GRCh37 (hg19) VCF-style: chr3-184093702-CA-C.
Other names: c.114del (NM_000460.3); c.114delT (NM_000460.3); c.114del, p.Asp39fs (NM_001177597.2, NM_001177598.2, NM_001289997.1 and 5 more transcripts); c.534del, p.Asp179fs (NM_001290003.1); short protein forms D179fs, D39fs.
Identifiers: ClinVar variation 1275747 (VCV001275747.2), dbSNP rs768078445, ClinGen allele CA2735058.